The following is an entry in ClinVar:

ClinVar aggregate classification (germline): Likely benign (1 of 4 stars; one submission).

Allele frequency attached by ClinVar (database versions not stated): ExAC 0.00002.
gnomAD v4.1: 1 of 1,560,426 alleles (0.000064%); highest among the groups gnomAD compares: Non-Finnish European, 0.000086%; no homozygotes.

Submission:

CeGaT Center for Human Genetics Tuebingen
Classification: Likely benign. Last evaluated: 2023-02-01. Review status: criteria provided, single submitter. Criteria: CeGaT Center For Human Genetics Tuebingen Variant Classification Criteria Version 2. Collection method: clinical testing. Allele origin: germline. Affected: yes. Observed: 1 variant allele.
Comment: HNRNPU: BP4, BP7

NM_031844.3(HNRNPU):c.645G>A (p.Lys215=)

Gene: HNRNPU (heterogeneous nuclear ribonucleoprotein U; minus strand). Cytogenetic location: 1q44.
Variant type: single nucleotide variant.
Coding change: c.645G>A on transcript NM_031844.3 (MANE Select); coding-DNA position 645, G replaced by A.
Protein change: p.Lys215=; no amino-acid change (lysine 215 retained).
Molecular consequence: synonymous variant. On other transcripts: intron variant (1).
Genome position (GRCh38, 1-based): chr1:244,863,663, C>T on the plus strand (G>A on the coding strand, the complement: HNRNPU is on the minus strand). VCF-style: chr1-244863663-C-T. GRCh37 (hg19) VCF-style: chr1-245026965-C-T.
Other names: c.634+11G>A (NM_004501.3).
Identifiers: ClinVar variation 2640225 (VCV002640225.24), dbSNP rs772389068, ClinGen allele CA1486762.
Genomic context (GRCh38, chr1:244,863,663, plus strand): 5'-AACGCAGCACTCACCCGCCGCCGGAGCCCCGGGGCGACCGCCGCCTCCGCCGCCTTCCGC[C>T]TTCTTCTTACCTCCCGCCTGCTGCTGGCCCTGCCTCGCCCCGGGCGGCGCCACCGTCACC-3'
Protein context (NP_114032.2, residues 205-225): QGQQQAGGKK[Lys215=]AEGGGGGGRP